The following is an entry in ClinVar:

ClinVar aggregate classification (germline): Uncertain significance (1 of 4 stars; one submission).

Conditions:
Charcot-Marie-Tooth disease axonal type 2O. Also called: CHARCOT-MARIE-TOOTH NEUROPATHY, AXONAL, TYPE 2O; CHARCOT-MARIE-TOOTH DISEASE, AXONAL, AUTOSOMAL DOMINANT, TYPE 2O; Charcot-Marie-Tooth disease, axonal, type 20; Charcot-Marie-Tooth Neuropathy Type 2O. Identifiers: Orphanet 284232, MedGen C3280220, MONDO:0013644, OMIM 614228.

Submission:

Labcorp Genetics (formerly Invitae), Labcorp
Classification: Uncertain significance for Charcot-Marie-Tooth disease axonal type 2O. Last evaluated: 2022-09-02. Review status: criteria provided, single submitter. Criteria: Invitae Variant Classification Sherloc (09022015). Collection method: clinical testing. Allele origin: germline.
Comment: This sequence change affects codon 2684 of the DYNC1H1 mRNA. It is a 'silent' change, meaning that it does not change the encoded amino acid sequence of the DYNC1H1 protein. This variant is not present in population databases (gnomAD no frequency). This variant has not been reported in the literature in individuals affected with DYNC1H1-related conditions. Algorithms developed to predict the effect of sequence changes on RNA splicing suggest that this variant may create or strengthen a splice site. In summary, the available evidence is currently insufficient to determine the role of this variant in disease. Therefore, it has been classified as a Variant of Uncertain Significance.

NM_001376.5(DYNC1H1):c.8052A>G (p.Arg2684=)

Gene: DYNC1H1 (dynein cytoplasmic 1 heavy chain 1; plus strand). Cytogenetic location: 14q32.31.
Variant type: single nucleotide variant.
Coding change: c.8052A>G on transcript NM_001376.5 (MANE Select); coding-DNA position 8052, A replaced by G.
Protein change: p.Arg2684=; no amino-acid change (arginine 2684 retained).
Molecular consequence: synonymous variant.
Genome position (GRCh38, 1-based): chr14:102,017,291, A>G. VCF-style: chr14-102017291-A-G. GRCh37 (hg19) VCF-style: chr14-102483628-A-G.
Identifiers: ClinVar variation 2028572 (VCV002028572.4), dbSNP rs573136749, ClinGen allele CA266953486.